The following is an entry in ClinVar:

ClinVar aggregate classification (germline): Pathogenic (1 of 4 stars; one submission).

Conditions:
Primary ciliary dyskinesia 9. Also called: CILIARY DYSKINESIA, PRIMARY, 9, WITH OR WITHOUT SITUS INVERSUS. Identifiers: Orphanet 244, MedGen C2676235, MONDO:0012906, OMIM 612444.

Submission:

Myriad Genetics, Inc.
Classification: Pathogenic for Primary ciliary dyskinesia 9. Last evaluated: 2024-12-30. Review status: criteria provided, single submitter. Criteria: Myriad Autosomal Dominant, Autosomal Recessive and X-Linked Classification Criteria (2023). Collection method: clinical testing. Allele origin: unknown.
Comment: NM_023036.4(DNAI2):c.196delC(R66Gfs*20) is expected to be pathogenic in the context of primary ciliary dyskinesia, DNAI2-related. This variant is predicted to lead to an abnormal or absent protein product due to the creation of a premature termination codon in DNAI2, a gene where loss-of-function variants are known to be pathogenic. Please note: this variant was assessed in the context of healthy population screening.

NM_023036.6(DNAI2):c.196del (p.Arg66fs)

Gene: DNAI2 (dynein axonemal intermediate chain 2; plus strand). Cytogenetic location: 17q25.1.
Variant type: Deletion.
Coding change: c.196del on transcript NM_023036.6 (MANE Select); coding-DNA position 196, one base deleted (C; older notation c.196delC).
Protein change: p.Arg66fs; shifts the reading frame from arginine 66.
Molecular consequence: frameshift variant. On other transcripts: non-coding transcript variant (1).
Genome position (GRCh38, 1-based): chr17:74,285,052, C deleted. VCF-style (leftmost placement, unchanged base first): chr17-74285051-GC-G. GRCh37 (hg19) VCF-style: chr17-72281190-GC-G.
Other names: c.196del, p.Arg66fs (NM_001172810.3, NM_001353167.2); short protein forms R66fs.
Identifiers: ClinVar variation 5013898 (VCV005013898.1).